The following is an entry in ClinVar:

ClinVar aggregate classification (germline): Pathogenic (1 of 4 stars; one submission).

Conditions:
Cleidocranial dysostosis (CLCD1). Also called: cleidocranial dysplasia 1; Marie-Sainton disease; Cleidocranial Dysplasia Spectrum Disorder. Identifiers: Orphanet 1452, MedGen C0008928, MONDO:0007340, OMIM 119600.

Submission:

Clinical Biomedical Laboratory, Shriners Hospital For Children - Canada
Classification: Pathogenic for Cleidocranial dysostosis. Review status: criteria provided, single submitter. Criteria: ACMG Guidelines, 2015. Collection method: clinical testing. Allele origin: germline. Affected: yes.
Comment: This variant is predicted to substitute a valine residue by a methionine residue and introduce a stop codon 15 amino acids downstream. This is expected to lead to degradation of the affected transcript and loss of function of the affected allele. This variant is absent from the Genome Aggregation Database (v2.1.1.), indicating it is very rare. Based on the ACMG variant interpretation guidelines (criteria: PVS1, PM2, PP4), the available evidence supports classification of this variant as pathogenic.

NM_001024630.4(RUNX2):c.456_480del (p.Val153fs)

Gene: RUNX2 (RUNX family transcription factor 2; plus strand). Cytogenetic location: 6p21.1.
Variant type: Deletion.
Coding change: c.456_480del on transcript NM_001024630.4 (MANE Select); coding-DNA positions 456 to 480, 25 bases deleted (TGTGGTTACTGTCATGGCGGGTAAC).
Protein change: p.Val153fs; shifts the reading frame from valine 153.
Molecular consequence: frameshift variant.
Genome position (GRCh38, 1-based): chr6:45,431,895-45,431,919, TGTGGTTACTGTCATGGCGGGTAAC deleted; deleting any 25 consecutive bases within chr6:45,431,893-45,431,919 gives the same sequence; the c. name uses the placement nearest the transcript's 3' end. VCF-style (leftmost placement, unchanged base first): chr6-45431892-GACTGTGGTTACTGTCATGGCGGGTA-G. GRCh37 (hg19) VCF-style: chr6-45399629-GACTGTGGTTACTGTCATGGCGGGTA-G.
Other names: c.456_480del, p.Val153fs (NM_001015051.4); c.414_438del, p.Val139fs (NM_001278478.2, NM_001369405.1); short protein forms V139fs, V153fs.
Identifiers: ClinVar variation 4819349 (VCV004819349.1).